The following is an entry in ClinVar:

ClinVar aggregate classification (germline): Conflicting classifications of pathogenicity. Review status: criteria provided, conflicting classifications (1 of 4 stars). 4 submissions from 4 submitters: Uncertain significance (1); Benign (1); Likely benign (2). Last evaluated 2026-02-10.

Conditions:
Mucopolysaccharidosis, MPS-IV-A (MPS4A). Also called: MPS IVA; Morquio syndrome A, mild; MORQUIO SYNDROME A; GALACTOSAMINE-6-SULFATASE DEFICIENCY; GALNS DEFICIENCY; MORQUIO A DISEASE. Identifiers: Orphanet 309297, Orphanet 582, MedGen C0086651, MONDO:0009659, OMIM 253000.
GALNS-related disorder. Also called: GALNS-related condition.

Allele frequency attached by ClinVar (database versions not stated): 1000 Genomes Project 0.00080; 1000 Genomes Project 30x 0.00109.
gnomAD v4.1: 104 of 1,613,244 alleles (0.0064%); highest among the groups gnomAD compares: East Asian, 0.16%; no homozygotes.

Submissions (4):

PreventionGenetics, part of Exact Sciences
Classification: Likely benign for GALNS-related condition. Last evaluated: 2026-02-10. Review status: criteria provided, single submitter. Criteria: ACMG Guidelines, 2015. Collection method: clinical testing. Allele origin: germline.
Comment: This variant is classified as likely benign based on ACMG/AMP sequence variant interpretation guidelines (Richards et al. 2015 PMID: 25741868, with internal and published modifications).

Labcorp Genetics (formerly Invitae), Labcorp
Classification: Benign for Mucopolysaccharidosis, MPS-IV-A. Last evaluated: 2026-01-13. Review status: criteria provided, single submitter. Criteria: Invitae Variant Classification Sherloc (09022015). Collection method: clinical testing. Allele origin: germline.

Women's Health and Genetics/Laboratory Corporation of America, LabCorp
Classification: Likely benign. Last evaluated: 2022-02-22. Review status: criteria provided, single submitter. Criteria: LabCorp Variant Classification Summary - May 2015. Collection method: clinical testing. Allele origin: germline.
Comment: Variant summary: GALNS c.143T>C (p.Val48Ala) results in a non-conservative amino acid change located in the N-terminal domain (IPR000917) of the encoded protein sequence. Three of five in-silico tools predict a damaging effect of the variant on protein function. The variant allele was found at a frequency of 0.00033 in 249368 control chromosomes, predominantly within the East Asian subpopulation at a frequency of 0.0041 in the gnomAD database. The observed variant frequency within East Asian control individuals in the gnomAD database is approximately 2-fold of the estimated maximal expected allele frequency for a pathogenic variant in GALNS causing Mucopolysaccharidosis Type IVA (Morquio Syndrome A) phenotype (0.002), strongly suggesting that the variant is a benign polymorphism found primarily in populations of East Asian origin. To our knowledge, no occurrence of c.143T>C in individuals affected with Mucopolysaccharidosis Type IVA (Morquio Syndrome A) and no experimental evidence demonstrating its impact on protein function have been reported. Although a different missense variant affecting the same amino acid (c.143T>G (p.Val48Gly)) is classified as likely pathogenic by our laboratory, however Gly is never observed as the reference amino acid at this position in ~120 species (see e.g. in HGMD), while several species have Ala in this position, which suggests that this missense change might not adversely affect protein function. One clinical diagnostic laboratory has submitted clinical-significance assessments for this variant to ClinVar after 2014, and classified the variant as uncertain significance. Based on the evidence outlined above, the variant was classified as likely benign.

3billion
Classification: Uncertain significance for Mucopolysaccharidosis, MPS-IV-A. Last evaluated: 2022-01-03. Review status: criteria provided, single submitter. Criteria: ACMG Guidelines, 2015. Collection method: clinical testing. Allele origin: germline. Affected: yes. Observed: 1 heterozygote.
Comment: A different missense change at the same codon has been reported as pathogenic/likely pathogenic with strong evidence (ClinVar ID: VCV001048261, PM5_M). It is observed at an extremely low frequency in the gnomAD v2.1.1 dataset (total allele frequency: 0.000331, PM2_M). Therefore, this variant is classified as uncertain significance according to the recommendation of ACMG/AMP guideline.

Literature cited by the submitters: PubMed 25137622 (cited by Women's Health and Genetics/Laboratory Corporation of America, LabCorp).

NM_000512.5(GALNS):c.143T>C (p.Val48Ala)

Gene: GALNS (galactosamine (N-acetyl)-6-sulfatase; minus strand). Cytogenetic location: 16q24.3.
Variant type: single nucleotide variant.
Coding change: c.143T>C on transcript NM_000512.5 (MANE Select); coding-DNA position 143, T replaced by C.
Protein change: p.Val48Ala; replaces valine 48 with alanine.
Molecular consequence: missense variant. On other transcripts: intron variant (1).
Genome position (GRCh38, 1-based): chr16:88,842,807, A>G on the plus strand (T>C on the coding strand, the complement: GALNS is on the minus strand). VCF-style: chr16-88842807-A-G. GRCh37 (hg19) VCF-style: chr16-88909215-A-G.
Other names: c.161T>C, p.Val54Ala (NM_001323544.2); c.-311-836T>C (NM_001323543.2); short protein forms V48A, V54A.
Identifiers: ClinVar variation 1333200 (VCV001333200.11), dbSNP rs191519947, ClinGen allele CA8235277.